The following is an entry in ClinVar:

NM_014140.4(SMARCAL1):c.1399C>T (p.Gln467Ter)

Gene: SMARCAL1 (SNF2 related chromatin remodeling annealing helicase 1; plus strand). Cytogenetic location: 2q35.
Variant type: single nucleotide variant.
Coding change: c.1399C>T on transcript NM_014140.4 (MANE Select); coding-DNA position 1399, C replaced by T.
Protein change: p.Gln467Ter; replaces glutamine 467 with a stop codon.
Molecular consequence: nonsense.
Genome position (GRCh38, 1-based): chr2:216,432,782, C>T. VCF-style: chr2-216432782-C-T. GRCh37 (hg19) VCF-style: chr2-217297505-C-T.
Other names: c.1399C>T, p.Gln467Ter (NM_001127207.2); short protein forms Q467*.
Identifiers: ClinVar variation 1359407 (VCV001359407.6), dbSNP rs2106033603, ClinGen allele CA350500102.
Genomic context (GRCh38, chr2:216,432,782, plus strand): 5'-GCCATAGCCAAAGGAGGCCGCCTGCTGCTCGCTGACGACATGGGCCTGGGGAAGACCATC[C>T]AAGCCATCTGCATCGCAGCCTTTTACCGGAAGGAGTGGCCGCTCCTGGTGGTGGTGCCAT-3'

ClinVar aggregate classification (germline): Pathogenic (1 of 4 stars; one submission).

Conditions:
Schimke immuno-osseous dysplasia (SIOD). Also called: Schimke Immunoosseous Dysplasia. Identifiers: Orphanet 1830, MedGen C0877024, MONDO:0009458, OMIM 242900.

Submission:

Labcorp Genetics (formerly Invitae), Labcorp
Classification: Pathogenic for Schimke immuno-osseous dysplasia. Last evaluated: 2022-12-23. Review status: criteria provided, single submitter. Criteria: Invitae Variant Classification Sherloc (09022015). Collection method: clinical testing. Allele origin: germline.
Comment: This variant has not been reported in the literature in individuals affected with SMARCAL1-related conditions. For these reasons, this variant has been classified as Pathogenic. Algorithms developed to predict the effect of sequence changes on RNA splicing suggest that this variant may disrupt the consensus splice site. ClinVar contains an entry for this variant (Variation ID: 1359407). This variant is not present in population databases (gnomAD no frequency). This sequence change creates a premature translational stop signal (p.Gln467*) in the SMARCAL1 gene. It is expected to result in an absent or disrupted protein product. Loss-of-function variants in SMARCAL1 are known to be pathogenic (PMID: 11799392, 20301550).

Literature cited by the submitters: PubMed 11799392; PubMed 20301550.